The following is an entry in ClinVar:

NM_004415.4(DSP):c.997del (p.Ser333fs)

Gene: DSP (desmoplakin; plus strand). Cytogenetic location: 6p24.3.
Variant type: Deletion.
Coding change: c.997del on transcript NM_004415.4 (MANE Select); coding-DNA position 997, one base deleted (A; older notation c.997delA).
Protein change: p.Ser333fs; shifts the reading frame from serine 333.
Molecular consequence: frameshift variant.
Genome position (GRCh38, 1-based): chr6:7,566,434, A deleted; the last of 3 consecutive A bases (chr6:7,566,432-7,566,434); deleting any one gives the same sequence. VCF-style (leftmost placement, unchanged base first): chr6-7566431-GA-G. GRCh37 (hg19) VCF-style: chr6-7566664-GA-G.
Other names: c.997del, p.Ser333fs (NM_001008844.3, NM_001319034.2, NM_001406591.1); short protein forms S333fs.
Identifiers: ClinVar variation 2922082 (VCV002922082.3), dbSNP rs2533876378, ClinGen allele CA2740094236.

ClinVar aggregate classification (germline): Pathogenic (1 of 4 stars; one submission).

Conditions:
Arrhythmogenic right ventricular dysplasia 8 (ARVD8). Also called: Arrhythmogenic Right Ventricular Dysplasia/Cardiomyopathy 8; ARRHYTHMOGENIC RIGHT VENTRICULAR DYSPLASIA, FAMILIAL, 8; ARRHYTHMOGENIC RIGHT VENTRICULAR CARDIOMYOPATHY 8. Identifiers: MedGen C1843896, MONDO:0011831, OMIM 607450.
Arrhythmogenic cardiomyopathy with wooly hair and keratoderma. Also called: Arrhythmogenic cardiomyopathy with woolly hair and keratoderma; Carvajal syndrome; Dilated cardiomyopathy with woolly hair and keratoderma; PALMOPLANTAR KERATODERMA WITH LEFT VENTRICULAR CARDIOMYOPATHY AND WOOLLY HAIR. Identifiers: Orphanet 65282, MedGen C1854063, MONDO:0011581, OMIM 605676.

Submission:

Labcorp Genetics (formerly Invitae), Labcorp
Classification: Pathogenic for Arrhythmogenic cardiomyopathy with wooly hair and keratoderma; Arrhythmogenic right ventricular dysplasia 8. Last evaluated: 2024-01-09. Review status: criteria provided, single submitter. Criteria: Invitae Variant Classification Sherloc (09022015). Collection method: clinical testing. Allele origin: germline.
Comment: This sequence change creates a premature translational stop signal (p.Ser333Valfs*40) in the DSP gene. It is expected to result in an absent or disrupted protein product. Loss-of-function variants in DSP are known to be pathogenic (PMID: 20716751, 24503780, 25227139). This variant is not present in population databases (gnomAD no frequency). This variant has not been reported in the literature in individuals affected with DSP-related conditions. For these reasons, this variant has been classified as Pathogenic.

Literature cited by the submitters: PubMed 20716751; PubMed 24503780; PubMed 25227139.